The following is an entry in ClinVar:

NM_004369.4(COL6A3):c.9247C>T (p.Pro3083Ser)

Gene: COL6A3 (collagen type VI alpha 3 chain; minus strand). Cytogenetic location: 2q37.3.
Variant type: single nucleotide variant.
Coding change: c.9247C>T on transcript NM_004369.4 (MANE Select); coding-DNA position 9247, C replaced by T.
Protein change: p.Pro3083Ser; replaces proline 3083 with serine.
Molecular consequence: missense variant.
Genome position (GRCh38, 1-based): chr2:237,333,531, G>A on the plus strand (C>T on the coding strand, the complement: COL6A3 is on the minus strand). VCF-style: chr2-237333531-G-A. GRCh37 (hg19) VCF-style: chr2-238242174-G-A.
Other names: c.7426C>T, p.Pro2476Ser (NM_057166.5); c.8629C>T, p.Pro2877Ser (NM_057167.4); short protein forms P2476S, P2877S, P3083S.
Identifiers: ClinVar variation 2825778 (VCV002825778.3), dbSNP rs2469784464, ClinGen allele CA351187469.

ClinVar aggregate classification (germline): Uncertain significance (1 of 4 stars; one submission).

Conditions:
Bethlem myopathy 1A. Also called: Bethlem myopathy 1; MYOPATHY, BENIGN CONGENITAL, WITH CONTRACTURES; Bethlem Muscular Dystrophy. Identifiers: Orphanet 610, MedGen CN029274, MONDO:0024530, OMIM 158810.

Submission:

Labcorp Genetics (formerly Invitae), Labcorp
Classification: Uncertain significance for Bethlem myopathy 1A. Last evaluated: 2024-05-06. Review status: criteria provided, single submitter. Criteria: Invitae Variant Classification Sherloc (09022015). Collection method: clinical testing. Allele origin: germline.
Comment: This sequence change replaces proline, which is neutral and non-polar, with serine, which is neutral and polar, at codon 3083 of the COL6A3 protein (p.Pro3083Ser). This variant is not present in population databases (gnomAD no frequency). This variant has not been reported in the literature in individuals affected with COL6A3-related conditions. Advanced modeling of protein sequence and biophysical properties (such as structural, functional, and spatial information, amino acid conservation, physicochemical variation, residue mobility, and thermodynamic stability) performed at Invitae indicates that this missense variant is not expected to disrupt COL6A3 protein function with a negative predictive value of 95%. In summary, the available evidence is currently insufficient to determine the role of this variant in disease. Therefore, it has been classified as a Variant of Uncertain Significance.